The following is an entry in ClinVar:

ClinVar aggregate classification (germline): Likely benign. Review status: reviewed by expert panel (3 of 4 stars). 2 submissions from 2 submitters: Likely benign (1). 1 of the submissions does not count toward it. Last evaluated 2024-11-04.

Conditions:
Hereditary thrombocytopenia and hematological cancer predisposition syndrome associated with RUNX1. Also called: Familial Platelet Disorder with Propensity to Acute Myelogenous Leukemia; Familial thrombocytopenia with propensity to acute myelogenous leukemia; PLATELET DISORDER, ASPIRIN-LIKE; RUNX1 Familial Platelet Disorder with Associated Myeloid Malignancies. Identifiers: Orphanet 71290, MedGen C1832388, MeSH C563324, MONDO:0100083, OMIM 601399.
Hereditary thrombocytopenia and hematologic cancer predisposition syndrome. Identifiers: Orphanet 71290, MedGen CN281654, MONDO:0011071.

Allele frequency attached by ClinVar (database versions not stated): gnomAD exomes below 0.00001.
gnomAD v4.1: 2 of 1,613,858 alleles (0.00012%); highest among the groups gnomAD compares: Non-Finnish European, 0.00017%; no homozygotes.

Submissions (2):

ClinGen Myeloid Malignancy Variant Curation Expert Panel
Classification: Likely benign for Hereditary thrombocytopenia and hematologic cancer predisposition syndrome. Last evaluated: 2024-11-04. Review status: reviewed by expert panel. Criteria: ClinGen MyeloMalig ACMG Specifications v2. Collection method: curation. Allele origin: germline. Inheritance: Autosomal dominant inheritance.
Comment: NM_001754.5(RUNX1):c.968-9G>T is an intronic variant. SpliceAI predicts no impact on splicing (score: 0.01), supporting BP4. Additionally, evolutionary conservation algorithms predict the site as not being conserved, with a PhyloP score of 1.154 (≤ 2.0), supporting BP7. In summary, this variant meets criteria to be classified as likely benign. ACMG/AMP criteria applied, as specified by the Myeloid Malignancy Variant Curation Expert Panel for RUNX1: BP4, BP7.

Labcorp Genetics (formerly Invitae), Labcorp
Classification: Likely benign for Hereditary thrombocytopenia and hematological cancer predisposition syndrome associated with RUNX1. Last evaluated: 2022-02-25. Review status: criteria provided, single submitter. Criteria: Invitae Variant Classification Sherloc (09022015). Collection method: clinical testing. Allele origin: germline. Not counted in ClinVar's aggregate classification.

NM_001754.5(RUNX1):c.352-11C>T

Genes: RUNX1 (RUNX family transcription factor 1; minus strand), RUNX1-AS1 (RUNX1 antisense RNA 1; plus strand). Cytogenetic location: 21q22.12.
Variant type: single nucleotide variant.
Coding change: c.352-11C>T on transcript NM_001754.5 (MANE Select); 11 bases into the intron before coding-DNA position 352, C replaced by T.
Molecular consequence: intron variant.
Genome position (GRCh38, 1-based): chr21:34,880,724, G>A on the plus strand (C>T on the coding strand, the complement: RUNX1 is on the minus strand). VCF-style: chr21-34880724-G-A. GRCh37 (hg19) VCF-style: chr21-36253021-G-A.
Other names: c.271-11C>T (NM_001001890.3, NM_001122607.2).
Identifiers: ClinVar variation 2103444 (VCV002103444.5), dbSNP rs2146364258, ClinGen allele CA2580098651.